The following is an entry in ClinVar:

NM_002109.6(HARS1):c.464T>G (p.Val155Gly)

Gene: HARS1 (histidyl-tRNA synthetase 1; minus strand). Cytogenetic location: 5q31.3.
Variant type: single nucleotide variant.
Coding change: c.464T>G on transcript NM_002109.6 (MANE Select); coding-DNA position 464, T replaced by G.
Protein change: p.Val155Gly; replaces valine 155 with glycine.
Molecular consequence: missense variant. On other transcripts: intron variant (2), splice donor variant (2).
Genome position (GRCh38, 1-based): chr5:140,679,060, A>C on the plus strand (T>G on the coding strand, the complement: HARS1 is on the minus strand). VCF-style: chr5-140679060-A-C. GRCh37 (hg19) VCF-style: chr5-140058645-A-C.
Other names: c.344T>G, p.Val115Gly (NM_001258040.3); c.377T>G, p.Val126Gly (NM_001289094.2); c.181-1045T>G (NM_001289093.2); c.342+2T>G (NM_001258042.3); c.301-1045T>G (NM_001289092.2); c.462+2T>G (NM_001258041.3); short protein forms V155G, V115G, V126G.
Identifiers: ClinVar variation 446299 (VCV000446299.15), dbSNP rs1239341211, ClinGen allele CA361257029.

ClinVar aggregate classification (germline): Conflicting classifications of pathogenicity. Review status: criteria provided, conflicting classifications (1 of 4 stars). 6 submissions from 6 submitters: Pathogenic (2); Uncertain significance (3). 1 of the submissions does not count toward it. Last evaluated 2025-11-04.

Conditions:
Autosomal dominant Charcot-Marie-Tooth disease type 2W. Also called: Charcot-Marie-Tooth disease, axonal, type 2w; CHARCOT-MARIE-TOOTH NEUROPATHY, TYPE 2W; CHARCOT-MARIE-TOOTH DISEASE, AXONAL, AUTOSOMAL DOMINANT, TYPE 2W. Identifiers: Orphanet 488333, MedGen C5567486, MONDO:0014711, OMIM 616625.
Usher syndrome type 3B. Also called: USHER SYNDROME, TYPE IIIB. Identifiers: MedGen C3281066, MONDO:0013788, OMIM 614504.

Allele frequency attached by ClinVar (database versions not stated): gnomAD exomes below 0.00001.
gnomAD v4.1: 1 of 1,614,056 alleles (0.000062%); highest among the groups gnomAD compares: Middle Eastern, 0.016%; no homozygotes.

Submissions (6):

Women's Health and Genetics/Laboratory Corporation of America, LabCorp
Classification: Pathogenic for Autosomal dominant Charcot-Marie-Tooth disease type 2W. Last evaluated: 2025-11-04. Review status: criteria provided, single submitter. Criteria: LabCorp Variant Classification Summary - May 2015. Collection method: clinical testing. Allele origin: germline.
Comment: Variant summary: HARS1 c.464T>G (p.Val155Gly) results in a non-conservative amino acid change in the encoded protein sequence. Algorithms developed to predict the effect of missense changes on protein structure and function all suggest that this variant is likely to be disruptive. The variant allele was found at a frequency of 4e-06 in 251458 control chromosomes. c.464T>G has been observed in multiple individuals affected with Autosomal dominant Charcot-Marie-Tooth disease type 2W. These data indicate that the variant is very likely to be associated with disease. At least one publication reports experimental evidence evaluating an impact on protein function and showed that this variant affected protein function. The following publications have been ascertained in the context of this evaluation (PMID: 29235198, 38968664). ClinVar contains an entry for this variant (Variation ID: 446299). Based on the evidence outlined above, the variant was classified as pathogenic.

Labcorp Genetics (formerly Invitae), Labcorp
Classification: Pathogenic for Usher syndrome type 3B. Last evaluated: 2025-03-30. Review status: criteria provided, single submitter. Criteria: Invitae Variant Classification Sherloc (09022015). Collection method: clinical testing. Allele origin: germline.
Comment: This sequence change replaces valine, which is neutral and non-polar, with glycine, which is neutral and non-polar, at codon 155 of the HARS protein (p.Val155Gly). This variant is present in population databases (no rsID available, gnomAD no frequency). This missense change has been observed in individuals with clinical features of autosomal dominant Charcot-Marie-Tooth disease (PMID: 29235198). It has also been observed to segregate with disease in related individuals. ClinVar contains an entry for this variant (Variation ID: 446299). Invitae Evidence Modeling of protein sequence and biophysical properties (such as structural, functional, and spatial information, amino acid conservation, physicochemical variation, residue mobility, and thermodynamic stability) indicates that this missense variant is expected to disrupt HARS protein function with a positive predictive value of 80%. Experimental studies have shown that this missense change affects HARS function (PMID: 29235198). For these reasons, this variant has been classified as Pathogenic.

Blueprint Genetics
Classification: Uncertain significance. Last evaluated: 2024-02-27. Review status: criteria provided, single submitter. Criteria: ACMG Guidelines, 2015. Collection method: clinical testing. Allele origin: germline.

Kariminejad - Najmabadi Pathology & Genetics Center
Classification: Uncertain significance for Autosomal dominant Charcot-Marie-Tooth disease type 2W. Last evaluated: 2023-07-03. Review status: criteria provided, single submitter. Criteria: ACMG Guidelines, 2015. Collection method: clinical testing. Allele origin: germline. Inheritance: Autosomal dominant inheritance. Affected: yes. Observed: 2 variant alleles.
Comment: PM2,PP5

Ambry Genetics
Classification: Uncertain significance. Last evaluated: 2021-12-28. Review status: criteria provided, single submitter. Criteria: Ambry Variant Classification Scheme 2023. Collection method: clinical testing. Allele origin: germline.
Comment: The p.V155G variant (also known as c.464T>G), located in coding exon 5 of the HARS gene, results from a T to G substitution at nucleotide position 464. The valine at codon 155 is replaced by glycine, an amino acid with dissimilar properties. This variant has been observed to segregate with motor-predominant axonal neuropathy in one family (Abbott JA et al. Hum Mutat, 2018 03;39:415-432). Functional studies indicate that this variant does not disrupt dimerization (Abbott JA et al. Hum Mutat, 2018 03;39:415-432) or localization of the mutant protein (Mullen P et al. FEBS J, 2021 01;288:142-159). Although functional studies indicate mutant HARS1 led to attenuation of protein synthesis and increased phosphorylation of eIF2a in PC12 cells and was accompanied by impaired neurite and axon outgrowth in zebrafish, the clinical significance of these findings is unclear (Mullen P et al. FEBS J, 2021 01;288:142-159). This amino acid position is highly conserved in available vertebrate species. In addition, this alteration is predicted to be deleterious by in silico analysis. Since supporting evidence is limited at this time, the clinical significance of this alteration remains unclear.

Antonellis Laboratory at Michigan, University of Michigan
Classification: Uncertain significance for Autosomal dominant Charcot-Marie-Tooth disease type 2W. Review status: no assertion criteria provided. Collection method: in vitro. Allele origin: not applicable. Inheritance: Autosomal dominant inheritance. Not counted in ClinVar's aggregate classification.

Literature cited by the submitters: PubMed 29235198 (cited by 3 submitters); PubMed 38968664 (cited by Women's Health and Genetics/Laboratory Corporation of America, LabCorp); PubMed 32543048 (cited by Ambry Genetics).